The following is an entry in ClinVar:

NM_176869.3(PPA2):c.453T>G (p.Asp151Glu)

Gene: PPA2 (inorganic pyrophosphatase 2; minus strand). Cytogenetic location: 4q24.
Variant type: single nucleotide variant.
Coding change: c.453T>G on transcript NM_176869.3 (MANE Select); coding-DNA position 453, T replaced by G.
Protein change: p.Asp151Glu; replaces aspartic acid 151 with glutamic acid.
Molecular consequence: missense variant. On other transcripts: intron variant (3).
Genome position (GRCh38, 1-based): chr4:105,438,025, A>C on the plus strand (T>G on the coding strand, the complement: PPA2 is on the minus strand). VCF-style: chr4-105438025-A-C. GRCh37 (hg19) VCF-style: chr4-106359182-A-C.
Other names: c.157+35869T>G (NM_176867.3); c.223-13703T>G (NM_176866.2); c.441+8358T>G (NM_006903.4); short protein forms D151E.
Identifiers: ClinVar variation 2116365 (VCV002116365.2), dbSNP rs1724145175, ClinGen allele CA357799703.

ClinVar aggregate classification (germline): Uncertain significance (1 of 4 stars; one submission).

Allele frequency attached by ClinVar (database versions not stated): gnomAD exomes below 0.00001; gnomAD 0.00001.
gnomAD v4.1: 2 of 1,604,504 alleles (0.00012%); highest among the groups gnomAD compares: African/African-American, 0.0027%; no homozygotes.

Submission:

Labcorp Genetics (formerly Invitae), Labcorp
Classification: Uncertain significance. Last evaluated: 2022-03-23. Review status: criteria provided, single submitter. Criteria: Invitae Variant Classification Sherloc (09022015). Collection method: clinical testing. Allele origin: germline.
Comment: In summary, the available evidence is currently insufficient to determine the role of this variant in disease. Therefore, it has been classified as a Variant of Uncertain Significance. Algorithms developed to predict the effect of missense changes on protein structure and function are either unavailable or do not agree on the potential impact of this missense change (SIFT: "Deleterious"; PolyPhen-2: "Probably Damaging"; Align-GVGD: "Class C0"). This variant has not been reported in the literature in individuals affected with PPA2-related conditions. This variant is not present in population databases (gnomAD no frequency). This sequence change replaces aspartic acid, which is acidic and polar, with glutamic acid, which is acidic and polar, at codon 151 of the PPA2 protein (p.Asp151Glu).